The following is an entry in ClinVar:

ClinVar aggregate classification (germline): Uncertain significance (1 of 4 stars; one submission).

Allele frequency attached by ClinVar (database versions not stated): gnomAD exomes below 0.00001 and 0.00001; ExAC 0.00002.
gnomAD v4.1: 1 of 1,612,588 alleles (0.000062%); highest among the groups gnomAD compares: Non-Finnish European, 0.000085%; no homozygotes.

Submission:

Labcorp Genetics (formerly Invitae), Labcorp
Classification: Uncertain significance. Last evaluated: 2023-12-11. Review status: criteria provided, single submitter. Criteria: Invitae Variant Classification Sherloc (09022015). Collection method: clinical testing. Allele origin: germline.
Comment: This sequence change replaces asparagine, which is neutral and polar, with serine, which is neutral and polar, at codon 149 of the IFNAR2 protein (p.Asn149Ser). This variant is present in population databases (rs775627702, gnomAD 0.002%). This variant has not been reported in the literature in individuals affected with IFNAR2-related conditions. ClinVar contains an entry for this variant (Variation ID: 1345425). Algorithms developed to predict the effect of missense changes on protein structure and function output the following: SIFT: "Not Available"; PolyPhen-2: "Probably Damaging"; Align-GVGD: "Not Available". The serine amino acid residue is found in multiple mammalian species, which suggests that this missense change does not adversely affect protein function. In summary, the available evidence is currently insufficient to determine the role of this variant in disease. Therefore, it has been classified as a Variant of Uncertain Significance.

NM_001289125.3(IFNAR2):c.446A>G (p.Asn149Ser)

Genes: IFNAR2 (interferon alpha and beta receptor subunit 2; plus strand), IFNAR2-IL10RB (IFNAR2-IL10RB readthrough; plus strand). Cytogenetic location: 21q22.11.
Variant type: single nucleotide variant.
Coding change: c.446A>G on transcript NM_001289125.3 (MANE Select); coding-DNA position 446, A replaced by G.
Protein change: p.Asn149Ser; replaces asparagine 149 with serine.
Molecular consequence: missense variant.
Genome position (GRCh38, 1-based): chr21:33,248,760, A>G. VCF-style: chr21-33248760-A-G. GRCh37 (hg19) VCF-style: chr21-34621065-A-G.
Other names: c.446A>G, p.Asn149Ser (NM_000874.5, NM_001289126.2, NM_001289128.2 and 4 more transcripts); short protein forms N149S.
Identifiers: ClinVar variation 1345425 (VCV001345425.8), dbSNP rs775627702, ClinGen allele CA10005666.